The following is an entry in ClinVar:

ClinVar aggregate classification (germline): Pathogenic/Likely pathogenic. Review status: criteria provided, multiple submitters, no conflicts (2 of 4 stars). 9 submissions from 9 submitters: Pathogenic (7); Likely pathogenic (1). 1 of the submissions does not count toward it. Last evaluated 2025-10-23.

Conditions:
BEST1-related disorder. Also called: BEST1-related disorders; BEST1-related condition. Identifiers: MedGen CN239200.
Retinitis pigmentosa 50 (RP50). Also called: Retinitis pigmentosa, concentric. Identifiers: Orphanet 791, MedGen C2750789, MONDO:0013175, OMIM 613194.
Autosomal recessive bestrophinopathy. Also called: Autosomal Recessive Bestrophinopathy (ARB). Identifiers: Orphanet 139455, MedGen C3888198, MONDO:0012733, OMIM 611809.
Autosomal dominant vitreoretinochoroidopathy. Also called: Autosomal Dominant Vitreoretinochoroidopathy (ADVIRC); VITREORETINOCHOROIDOPATHY, AUTOSOMAL DOMINANT, WITH NANOPHTHALMOS; VITREORETINOCHOROIDOPATHY WITH MICROCORNEA, GLAUCOMA, AND CATARACT. Identifiers: Orphanet 263347, Orphanet 3086, MedGen C3888099, MONDO:0008662, OMIM 193220.
Vitelliform macular dystrophy 2. Also called: Best Vitelliform Macular Dystrophy (BVMD); MACULAR DEGENERATION, POLYMORPHIC VITELLINE; Best vitelliform macular dystrophy, multifocal; VITELLIFORM MACULAR DYSTROPHY, EARLY-ONSET; VITELLIFORM MACULAR DYSTROPHY, JUVENILE-ONSET; Best Macular Dystrophy. Identifiers: Orphanet 1243, MedGen C2745945, MONDO:0007931, OMIM 153700.
Retinal dystrophy. Also called: Inherited retinal dystrophy. Identifiers: Orphanet 71862, MedGen C0854723, MeSH D058499, MONDO:0019118, HP:0000556.
Retinitis pigmentosa (RP). Identifiers: Orphanet 791, MedGen C0035334, MeSH D012174, MONDO:0019200, OMIM 268000. Inheritance: Autosomal dominant, autosomal recessive and X linked inheritance.

Allele frequency attached by ClinVar (database versions not stated): TOPMed 0.00001; ExAC 0.00002; ESP Exome Variant Server 0.00008.
gnomAD v4.1: 44 of 1,614,060 alleles (0.0027%); highest among the groups gnomAD compares: East Asian, 0.082%; no homozygotes.

Submissions (9):

Variantyx, Inc.
Classification: Likely pathogenic for Autosomal recessive bestrophinopathy. Last evaluated: 2025-10-23. Review status: criteria provided, single submitter. Criteria: Variantyx Assertion Criteria 2022. Collection method: clinical testing. Allele origin: germline. Inheritance: Autosomal recessive inheritance. Affected: yes.
Comment: This is a nonsynonymous variant in the BEST1 gene (OMIM: 607854). Pathogenic variants in this gene have been associated with autosomal recessive bestrophinopathy. This variant has been identified in the compound heterozygous state in at least eight individuals reported in the published literature (PMID: 25489231, 27071392, 28687848) (PM3_Strong). Multiple computational algorithms predict a deleterious effect for this variant (REVEL score: 0.962) (PP3). The maximum allele frequency in non-founder control populationss for this variant is 0.0824% (PM2). Based on the current evidence, this variant is classified as likely pathogenic for autosomal recessive bestrophinopathy.

Labcorp Genetics (formerly Invitae), Labcorp
Classification: Pathogenic. Last evaluated: 2025-10-13. Review status: criteria provided, single submitter. Criteria: Invitae Variant Classification Sherloc (09022015). Collection method: clinical testing. Allele origin: germline.
Comment: This sequence change replaces arginine, which is basic and polar, with tryptophan, which is neutral and slightly polar, at codon 255 of the BEST1 protein (p.Arg255Trp). This variant is present in population databases (rs372989281, gnomAD 0.06%). This missense change has been observed in individual(s) with autosomal recessive bestrinopathy (PMID: 20057343, 25324289, 25489231, 26310487, 27071392, 28687848, 30593719). In at least one individual the data is consistent with being in trans (on the opposite chromosome) from a pathogenic variant. It has also been observed to segregate with disease in related individuals. ClinVar contains an entry for this variant (Variation ID: 143127). Invitae Evidence Modeling of protein sequence and biophysical properties (such as structural, functional, and spatial information, amino acid conservation, physicochemical variation, residue mobility, and thermodynamic stability) indicates that this missense variant is expected to disrupt BEST1 protein function with a positive predictive value of 95%. For these reasons, this variant has been classified as Pathogenic.

3billion
Classification: Pathogenic for Autosomal recessive bestrophinopathy. Last evaluated: 2024-09-24. Review status: criteria provided, single submitter. Criteria: ACMG Guidelines, 2015. Collection method: clinical testing. Allele origin: germline. Affected: yes.
Comment: The variant is observed at an extremely low frequency in the gnomAD v4.0.0 dataset (total allele frequency: 0.003%). Predicted Consequence/Location: Missense variant In silico tool predictions suggest damaging effect of the variant on gene or gene product [REVEL: 0.96 (>=0.6, sensitivity 0.68 and specificity 0.92); 3Cnet: 0.99 (>=0.6, sensitivity 0.72 and precision 0.9)]. The same nucleotide change resulting in the same amino acid change has been previously reported as pathogenic/likely pathogenic with strong evidence (ClinVar ID: VCV000143127 /PMID: 20057343 /3billion dataset). The variant has been reported to be in trans with a pathogenic variant as either compound heterozygous or homozygous in at least one similarly affected unrelated individual (PMID: 25489231). A different missense change at the same codon (p.Arg255Leu) has been reported to be associated with BEST1 related disorder (ClinVar ID: VCV001484448). Therefore, this variant is classified as Pathogenic according to the recommendation of ACMG/AMP guideline.

Dept Of Ophthalmology, Nagoya University
Classification: Pathogenic for Retinal dystrophy. Last evaluated: 2023-10-01. Review status: criteria provided, single submitter. Criteria: Submitter's publication. Collection method: research. Allele origin: germline. Affected: yes.

Revvity Omics, Revvity
Classification: Pathogenic. Last evaluated: 2023-09-26. Review status: criteria provided, single submitter. Criteria: ACMG Guidelines, 2015. Collection method: clinical testing. Allele origin: germline.

Blueprint Genetics
Classification: Pathogenic for BEST1-related disorders. Last evaluated: 2022-09-05. Review status: criteria provided, single submitter. Criteria: ACMG Guidelines, 2015. Collection method: clinical testing. Allele origin: germline. Affected: yes. Observed: 5 variant alleles.

Fulgent Genetics
Classification: Pathogenic for Vitelliform macular dystrophy 2; Autosomal dominant vitreoretinochoroidopathy; Autosomal recessive bestrophinopathy; Retinitis pigmentosa 50. Last evaluated: 2022-04-15. Review status: criteria provided, single submitter. Criteria: ACMG Guidelines, 2015. Collection method: clinical testing. Allele origin: unknown.

Juno Genomics, Hangzhou Juno Genomics, Inc
Classification: Pathogenic for Autosomal recessive bestrophinopathy. Review status: criteria provided, single submitter. Criteria: ACMG Guidelines, 2015. Collection method: clinical testing. Allele origin: germline.
Comment: Absent from controls (or at extremely low frequency if recessive) in Genome Aggregation Database.;Multiple lines of computational evidence support a deleterious effect on the gene or gene product.;For recessive disorders, detected in trans with a pathogenic variant.;Patient's phenotype or family history is highly specific for a disease with a single genetic etiology.

Department of Ophthalmology and Visual Sciences Kyoto University
Classification: Pathogenic for Retinitis pigmentosa. Review status: no assertion criteria provided. Collection method: not provided. Allele origin: unknown. Not counted in ClinVar's aggregate classification.
ClinVar note: Converted during submission from pathogenic to Pathogenic.

Literature cited by the submitters: PubMed 25489231 (cited by 3 submitters); PubMed 27071392 (cited by Variantyx, Inc. and Labcorp Genetics (formerly Invitae), Labcorp); PubMed 28687848 (cited by Variantyx, Inc. and Labcorp Genetics (formerly Invitae), Labcorp); PubMed 20057343 (cited by Labcorp Genetics (formerly Invitae), Labcorp and 3billion); PubMed 25324289 (cited by Labcorp Genetics (formerly Invitae), Labcorp); PubMed 26310487 (cited by Labcorp Genetics (formerly Invitae), Labcorp); PubMed 30593719 (cited by Labcorp Genetics (formerly Invitae), Labcorp).

NM_004183.4(BEST1):c.763C>T (p.Arg255Trp)

Gene: BEST1 (bestrophin 1; plus strand). Cytogenetic location: 11q12.3.
Variant type: single nucleotide variant.
Coding change: c.763C>T on transcript NM_004183.4 (MANE Select); coding-DNA position 763, C replaced by T.
Protein change: p.Arg255Trp; replaces arginine 255 with tryptophan.
Molecular consequence: missense variant. On other transcripts: non-coding transcript variant (1).
Genome position (GRCh38, 1-based): chr11:61,958,194, C>T. VCF-style: chr11-61958194-C-T. GRCh37 (hg19) VCF-style: chr11-61725666-C-T.
Other names: c.583C>T, p.Arg195Trp (NM_001139443.3, NM_001300786.2, NM_001300787.2); c.445C>T, p.Arg149Trp (NM_001363591.3); c.763C>T, p.Arg255Trp (NM_001363592.2); c.-413C>T (NM_001363593.3); short protein forms R255W, R149W, R195W.
Identifiers: ClinVar variation 143127 (VCV000143127.19), dbSNP rs372989281, ClinGen allele CA270085.